The following is an entry in ClinVar:

NM_000214.3(JAG1):c.659G>T (p.Cys220Phe)

Gene: JAG1 (jagged canonical Notch ligand 1; minus strand). Cytogenetic location: 20p12.2.
Variant type: single nucleotide variant.
Coding change: c.659G>T on transcript NM_000214.3 (MANE Select); coding-DNA position 659, G replaced by T.
Protein change: p.Cys220Phe; replaces cysteine 220 with phenylalanine.
Molecular consequence: missense variant.
Genome position (GRCh38, 1-based): chr20:10,658,503, C>A on the plus strand (G>T on the coding strand, the complement: JAG1 is on the minus strand). VCF-style: chr20-10658503-C-A. GRCh37 (hg19) VCF-style: chr20-10639151-C-A.
Other names: c.659G>T (NM_000214.2); short protein forms C220F.
Identifiers: ClinVar variation 2138337 (VCV002138337.7), dbSNP rs2514526436, ClinGen allele CA408239967.
Genomic context (GRCh38, chr20:10,658,503, plus strand): 5'-TGCACATGCACACACACACACATACCTCTGTTACATTCGGGGCCCATCCAGCCTTCCATG[C>A]AAGTTTTGTTGCCATTCTGGTCACAGGCATAGTGTCCAAAGAAGTCATCTCTGGGGCGGC-3'
Protein context (NP_000205.1, residues 210-230): YACDQNGNKT[Cys220Phe]MEGWMGPECN

ClinVar aggregate classification (germline): Pathogenic. Review status: criteria provided, multiple submitters, no conflicts (2 of 4 stars). 2 submissions from 2 submitters: Pathogenic (2). Last evaluated 2026-07-14.

Conditions:
JAG1-related disorder. Also called: JAG1-related condition; JAG1-related disorders.
Alagille syndrome due to a JAG1 point mutation. Also called: HEPATIC DUCTULAR HYPOPLASIA, SYNDROMATIC; JAG1-Related Alagille Syndrome; Alagille Syndrome 1. Identifiers: Orphanet 261619, Orphanet 52, MedGen C1956125, MONDO:0016862, OMIM 118450.

Submissions (3):

PreventionGenetics, part of Exact Sciences
Classification: Pathogenic for JAG1-related condition. Last evaluated: 2026-07-14. Review status: criteria provided, single submitter. Criteria: ACMG Guidelines, 2015. Collection method: clinical testing. Allele origin: germline.
Comment: The JAG1 c.659G>T variant is predicted to result in the amino acid substitution p.Cys220Phe. This variant has been reported to have occurred apparently de novo in an individual with Alagille syndrome (Crosnier et al. 2000. PubMed ID: 11139247). An in vitro functional study showed this variant results in abnormal membrane expression, suggesting this variant may impact JAG1 function (Table S2, Gilbert et al. 2024. PubMed ID: 39043182). This variant has not been reported in a large population database (gnomAD), indicating it is rare. This variant is interpreted as pathogenic.

Labcorp Genetics (formerly Invitae), Labcorp
Classification: Pathogenic for Alagille syndrome due to a JAG1 point mutation. Last evaluated: 2022-08-19. Review status: criteria provided, single submitter. Criteria: Invitae Variant Classification Sherloc (09022015). Collection method: clinical testing. Allele origin: germline.
Comment: This variant is not present in population databases (gnomAD no frequency). This missense change has been observed in individual(s) with Alagille syndrome (PMID: 11139247). In at least one individual the variant was observed to be de novo. Advanced modeling of protein sequence and biophysical properties (such as structural, functional, and spatial information, amino acid conservation, physicochemical variation, residue mobility, and thermodynamic stability) performed at Invitae indicates that this missense variant is expected to disrupt JAG1 protein function. For these reasons, this variant has been classified as Pathogenic. This sequence change replaces cysteine, which is neutral and slightly polar, with phenylalanine, which is neutral and non-polar, at codon 220 of the JAG1 protein (p.Cys220Phe).

Gilbert/Spinner Lab, Children's Hospital of Philadelphia
No classification provided (evidence only). Condition: Alagille syndrome. Review status: no classification provided. Collection method: research. Allele origin: not applicable. Functional consequence: functionally_abnormal. Not counted in ClinVar's aggregate classification.
ClinVar note: "not provided" was previously submitted as the classification for the variant. However, the classification appeared to be based only on an observation of functional data so it was converted to no classification on 2025-07-30.

Literature cited by the submitters: PubMed 11139247 (cited by Labcorp Genetics (formerly Invitae), Labcorp).